The following is an entry in ClinVar:

NM_001077365.2(POMT1):c.499G>A (p.Val167Met)

Gene: POMT1 (protein O-mannosyltransferase 1; plus strand). Cytogenetic location: 9q34.13.
Variant type: single nucleotide variant.
Coding change: c.499G>A on transcript NM_001077365.2 (MANE Select); coding-DNA position 499, G replaced by A.
Protein change: p.Val167Met; replaces valine 167 with methionine.
Molecular consequence: missense variant. On other transcripts: non-coding transcript variant (8).
Genome position (GRCh38, 1-based): chr9:131,508,982, G>A. VCF-style: chr9-131508982-G-A. GRCh37 (hg19) VCF-style: chr9-134384369-G-A.
Other names: c.499G>A (NM_007171.3); c.148G>A, p.Val50Met (NM_001353195.2, NM_001353199.2, NM_001374691.1 and 2 more transcripts); c.409G>A, p.Val137Met (NM_001353196.2); c.337G>A, p.Val113Met (NM_001353197.2, NM_001353198.2, NM_001374689.1 and 3 more transcripts); c.43G>A, p.Val15Met (NM_001353200.2, NM_001374695.1); c.499G>A, p.Val167Met (NM_001374690.1, NM_007171.4, NM_001136113.2 and 1 more transcripts); short protein forms V113M, V15M, V137M, V167M, V50M.
Identifiers: ClinVar variation 1443758 (VCV001443758.8), dbSNP rs757875244, ClinGen allele CA5293291.
Genomic context (GRCh38, chr9:131,508,982, plus strand): 5'-ATCACTCAGTCAAGGCTAATGCTTTTGGAATCAGTGTTAATATTTTTCAATCTATTGGCC[G>A]TGTTGTCCTACCTGAAGTTCTTCAACTGCCAAAAGCACAGGTATGGAAAATGGAGTGTCT-3'
Protein context (NP_001070833.1, residues 157-177): SVLIFFNLLA[Val167Met]LSYLKFFNCQ

ClinVar aggregate classification (germline): Uncertain significance. Review status: criteria provided, multiple submitters, no conflicts (2 of 4 stars). 3 submissions from 3 submitters: Uncertain significance (3). Last evaluated 2024-05-29.

Conditions:
Walker-Warburg congenital muscular dystrophy. Also called: Muscular dystrophy-dystroglycanopathy, type A; Walker-Warburg syndrome. Identifiers: Orphanet 899, MedGen C0265221, MONDO:0000171.
Autosomal recessive limb-girdle muscular dystrophy type 2K. Also called: MUSCULAR DYSTROPHY-DYSTROGLYCANOPATHY (LIMB-GIRDLE), TYPE C, 1; MUSCULAR DYSTROPHY, LIMB-GIRDLE, TYPE 2K. Identifiers: Orphanet 86812, MedGen C1836373, MONDO:0012248, OMIM 609308.
Muscular dystrophy-dystroglycanopathy (congenital with impaired intellectual development), type B, 1. Also called: Muscular dystrophy-dystroglycanopathy (congenital with intellectual disability), type B1; MUSCULAR DYSTROPHY, CONGENITAL, POMT1-RELATED. Identifiers: MedGen C5436962, MONDO:0013159, OMIM 613155.
Inborn genetic diseases. Identifiers: MedGen C0950123, MeSH D030342.

Allele frequency attached by ClinVar (database versions not stated): ExAC 0.00002; gnomAD exomes 0.00001.
gnomAD v4.1: 35 of 1,613,658 alleles (0.0022%); highest among the groups gnomAD compares: Non-Finnish European, 0.0025%; no homozygotes.

Submissions (3):

Ambry Genetics
Classification: Uncertain significance for Inborn genetic diseases. Last evaluated: 2024-05-29. Review status: criteria provided, single submitter. Criteria: Ambry Variant Classification Scheme 2023. Collection method: clinical testing. Allele origin: germline.

Revvity Omics, Revvity
Classification: Uncertain significance. Last evaluated: 2023-05-15. Review status: criteria provided, single submitter. Criteria: ACMG Guidelines, 2015. Collection method: clinical testing. Allele origin: germline.

Labcorp Genetics (formerly Invitae), Labcorp
Classification: Uncertain significance for Muscular dystrophy-dystroglycanopathy (congenital with impaired intellectual development), type B, 1; Walker-Warburg congenital muscular dystrophy; Autosomal recessive limb-girdle muscular dystrophy type 2K. Last evaluated: 2021-09-17. Review status: criteria provided, single submitter. Criteria: Invitae Variant Classification Sherloc (09022015). Collection method: clinical testing. Allele origin: germline.
Comment: This sequence change replaces valine with methionine at codon 167 of the POMT1 protein (p.Val167Met). The valine residue is moderately conserved and there is a small physicochemical difference between valine and methionine. This variant is present in population databases (rs757875244, ExAC 0.006%). This variant has not been reported in the literature in individuals with POMT1-related conditions. Algorithms developed to predict the effect of missense changes on protein structure and function (SIFT, PolyPhen-2, Align-GVGD) all suggest that this variant is likely to be tolerated, but these predictions have not been confirmed by published functional studies and their clinical significance is uncertain. In summary, the available evidence is currently insufficient to determine the role of this variant in disease. Therefore, it has been classified as a Variant of Uncertain Significance.